The following is an entry in ClinVar:

NM_015512.5(DNAH1):c.6267G>C (p.Lys2089Asn)

Gene: DNAH1 (dynein axonemal heavy chain 1; plus strand). Cytogenetic location: 3p21.1.
Variant type: single nucleotide variant.
Coding change: c.6267G>C on transcript NM_015512.5 (MANE Select); coding-DNA position 6267, G replaced by C.
Protein change: p.Lys2089Asn; replaces lysine 2089 with asparagine.
Molecular consequence: missense variant.
Genome position (GRCh38, 1-based): chr3:52,370,485, G>C. VCF-style: chr3-52370485-G-C. GRCh37 (hg19) VCF-style: chr3-52404501-G-C.
Other names: short protein forms K2089N.
Identifiers: ClinVar variation 2934967 (VCV002934967.3), dbSNP rs1302036965, ClinGen allele CA353158516.

ClinVar aggregate classification (germline): Uncertain significance (1 of 4 stars; one submission).

Conditions:
Spermatogenic failure 18. Identifiers: MedGen C4539783, MONDO:0054615, OMIM 617576.
Ciliary dyskinesia, primary, 37 (CILD37). Also called: CILIARY DYSKINESIA, PRIMARY, 37, WITH OR WITHOUT SITUS INVERSUS. Identifiers: MedGen C4539798, MONDO:0033204, OMIM 617577.

Allele frequency attached by ClinVar (database versions not stated): gnomAD exomes below 0.00001.
gnomAD v4.1: 1 of 1,613,958 alleles (0.000062%); highest among the groups gnomAD compares: Admixed American, 0.0017%; no homozygotes.

Submission:

Labcorp Genetics (formerly Invitae), Labcorp
Classification: Uncertain significance for Ciliary dyskinesia, primary, 37; Spermatogenic failure 18. Last evaluated: 2025-08-21. Review status: criteria provided, single submitter. Criteria: Invitae Variant Classification Sherloc (09022015). Collection method: clinical testing. Allele origin: germline.
Comment: This sequence change replaces lysine, which is basic and polar, with asparagine, which is neutral and polar, at codon 2089 of the DNAH1 protein (p.Lys2089Asn). This variant is present in population databases (no rsID available, gnomAD 0.003%). This variant has not been reported in the literature in individuals affected with DNAH1-related conditions. ClinVar contains an entry for this variant (Variation ID: 2934967). Invitae Evidence Modeling of protein sequence and biophysical properties (such as structural, functional, and spatial information, amino acid conservation, physicochemical variation, residue mobility, and thermodynamic stability) indicates that this missense variant is expected to disrupt DNAH1 protein function with a positive predictive value of 80%. In summary, the available evidence is currently insufficient to determine the role of this variant in disease. Therefore, it has been classified as a Variant of Uncertain Significance.